The following is an entry in ClinVar:

NM_013447.4(ADGRE2):c.2174G>A (p.Arg725Gln)

Gene: ADGRE2 (adhesion G protein-coupled receptor E2; minus strand). Cytogenetic location: 19p13.12.
Variant type: single nucleotide variant.
Coding change: c.2174G>A on transcript NM_013447.4 (MANE Select); coding-DNA position 2174, G replaced by A.
Protein change: p.Arg725Gln; replaces arginine 725 with glutamine.
Molecular consequence: missense variant.
Genome position (GRCh38, 1-based): chr19:14,746,241, C>T on the plus strand (G>A on the coding strand, the complement: ADGRE2 is on the minus strand). VCF-style: chr19-14746241-C-T. GRCh37 (hg19) VCF-style: chr19-14857053-C-T.
Other names: c.2000G>A, p.Arg667Gln (NM_001271052.1); short protein forms R667Q, R725Q.
Identifiers: ClinVar variation 1684734 (VCV001684734.6), dbSNP rs374432034, ClinGen allele CA9257450.

ClinVar aggregate classification (germline): Conflicting classifications of pathogenicity. Review status: criteria provided, conflicting classifications (1 of 4 stars). 2 submissions from 2 submitters: Uncertain significance (1); Benign (1). Last evaluated 2025-11-05.

Allele frequency attached by ClinVar (database versions not stated): gnomAD exomes 0.00005 and 0.00007; ExAC 0.00006; gnomAD 0.00006 and 0.00007; TOPMed 0.00007; ESP Exome Variant Server 0.00015.
gnomAD v4.1: 79 of 1,595,282 alleles (0.005%); highest among the groups gnomAD compares: African/African-American, 0.032%; no homozygotes.

Submissions (2):

Labcorp Genetics (formerly Invitae), Labcorp
Classification: Uncertain significance. Last evaluated: 2025-11-05. Review status: criteria provided, single submitter. Criteria: Invitae Variant Classification Sherloc (09022015). Collection method: clinical testing. Allele origin: germline.
Comment: This sequence change replaces arginine, which is basic and polar, with glutamine, which is neutral and polar, at codon 725 of the ADGRE2 protein (p.Arg725Gln). This variant is present in population databases (rs374432034, gnomAD 0.02%). This variant has not been reported in the literature in individuals affected with ADGRE2-related conditions. ClinVar contains an entry for this variant (Variation ID: 1684734). An algorithm developed to predict the effect of missense changes on protein structure and function outputs the following: PolyPhen-2: "Benign". The glutamine amino acid residue is found in multiple mammalian species, which suggests that this missense change does not adversely affect protein function. In summary, the available evidence is currently insufficient to determine the role of this variant in disease. Therefore, it has been classified as a Variant of Uncertain Significance.

Mendelics
Classification: Benign. Last evaluated: 2022-05-04. Review status: criteria provided, single submitter. Criteria: Mendelics Assertion Criteria 2019. Collection method: clinical testing. Allele origin: germline.